The following is an entry in ClinVar:

NM_017780.4(CHD7):c.4850+6T>A

Gene: CHD7 (chromodomain helicase DNA binding protein 7; plus strand). Cytogenetic location: 8q12.2.
Variant type: single nucleotide variant.
Coding change: c.4850+6T>A on transcript NM_017780.4 (MANE Select); 6 bases into the intron after coding-DNA position 4850, T replaced by A.
Molecular consequence: intron variant.
Genome position (GRCh38, 1-based): chr8:60,842,058, T>A. VCF-style: chr8-60842058-T-A. GRCh37 (hg19) VCF-style: chr8-61754617-T-A.
Other names: c.1717-20171T>A (NM_001316690.1); c.4850+6T>A (NM_017780.3).
Identifiers: ClinVar variation 1300467 (VCV001300467.15), dbSNP rs745527754, ClinGen allele CA4760201.

ClinVar aggregate classification (germline): Likely benign. Review status: criteria provided, multiple submitters, no conflicts (2 of 4 stars). 4 submissions from 4 submitters: Likely benign (4). Last evaluated 2025-10-02.

Conditions:
CHARGE syndrome (CHARGE). Also called: Hittner Hirsch Kreh syndrome; CHARGE ASSOCIATION--COLOBOMA, HEART ANOMALY, CHOANAL ATRESIA, RETARDATION, GENITAL AND EAR ANOMALIES; Coloboma, heart anomaly, choanal atresia, retardation, genital and ear anomalies; CHARGE association; Hall-Hittner syndrome. Identifiers: Orphanet 138, MedGen C0265354, MONDO:0008965.
Inborn genetic diseases. Identifiers: MedGen C0950123, MeSH D030342.

Allele frequency attached by ClinVar (database versions not stated): TOPMed 0.00003; gnomAD 0.00005 and 0.00006; gnomAD exomes 0.00007 and 0.00014; ExAC 0.00018.
gnomAD v4.1: 107 of 1,604,210 alleles (0.0067%); highest among the groups gnomAD compares: South Asian, 0.056%; no homozygotes.

Submissions (4):

Labcorp Genetics (formerly Invitae), Labcorp
Classification: Likely benign for CHARGE syndrome. Last evaluated: 2025-10-02. Review status: criteria provided, single submitter. Criteria: Invitae Variant Classification Sherloc (09022015). Collection method: clinical testing. Allele origin: germline.

CeGaT Center for Human Genetics Tuebingen
Classification: Likely benign. Last evaluated: 2025-08-01. Review status: criteria provided, single submitter. Criteria: CeGaT Center For Human Genetics Tuebingen Variant Classification Criteria Version 2. Collection method: clinical testing. Allele origin: germline. Affected: yes. Observed: 1 variant allele.
Comment: CHD7: BP4

Ambry Genetics
Classification: Likely benign for Inborn genetic diseases. Last evaluated: 2022-02-22. Review status: criteria provided, single submitter. Criteria: Ambry Variant Classification Scheme 2023. Collection method: clinical testing. Allele origin: germline.

GeneDx
Classification: Likely benign. Last evaluated: 2021-03-24. Review status: criteria provided, single submitter. Criteria: GeneDx Variant Classification Process June 2021. Collection method: clinical testing. Allele origin: germline. Affected: yes.